The following is an entry in ClinVar:

NM_005555.4(KRT6B):c.624G>C (p.Gln208His)

Gene: KRT6B (keratin 6B; minus strand). Cytogenetic location: 12q13.13.
Variant type: single nucleotide variant.
Coding change: c.624G>C on transcript NM_005555.4 (MANE Select); coding-DNA position 624, G replaced by C.
Protein change: p.Gln208His; replaces glutamine 208 with histidine.
Molecular consequence: missense variant.
Genome position (GRCh38, 1-based): chr12:52,450,537, C>G on the plus strand (G>C on the coding strand, the complement: KRT6B is on the minus strand). VCF-style: chr12-52450537-C-G. GRCh37 (hg19) VCF-style: chr12-52844321-C-G.
Other names: short protein forms Q208H.
Identifiers: ClinVar variation 3536113 (VCV003536113.2).

ClinVar aggregate classification (germline): Uncertain significance. Review status: criteria provided, multiple submitters, no conflicts (2 of 4 stars). 2 submissions from 2 submitters: Uncertain significance (2). Last evaluated 2025-08-09.

Conditions:
Inborn genetic diseases. Identifiers: MedGen C0950123, MeSH D030342.

Submissions (2):

Labcorp Genetics (formerly Invitae), Labcorp
Classification: Uncertain significance. Last evaluated: 2025-08-09. Review status: criteria provided, single submitter. Criteria: Invitae Variant Classification Sherloc (09022015). Collection method: clinical testing. Allele origin: germline.
Comment: This sequence change replaces glutamine, which is neutral and polar, with histidine, which is basic and polar, at codon 208 of the KRT6B protein (p.Gln208His). This variant is present in population databases (rs745621221, gnomAD 0.02%). This variant has not been reported in the literature in individuals affected with KRT6B-related conditions. ClinVar contains an entry for this variant (Variation ID: 3536113). Invitae Evidence Modeling of protein sequence and biophysical properties (such as structural, functional, and spatial information, amino acid conservation, physicochemical variation, residue mobility, and thermodynamic stability) indicates that this missense variant is not expected to disrupt KRT6B protein function with a negative predictive value of 95%. In summary, the available evidence is currently insufficient to determine the role of this variant in disease. Therefore, it has been classified as a Variant of Uncertain Significance.

Ambry Genetics
Classification: Uncertain significance for Inborn genetic diseases. Last evaluated: 2024-10-01. Review status: criteria provided, single submitter. Criteria: Ambry Variant Classification Scheme 2023. Collection method: clinical testing. Allele origin: germline.